The following is an entry in ClinVar:

NM_177438.3(DICER1):c.3715A>C (p.Ser1239Arg)

Gene: DICER1 (dicer 1, ribonuclease III; minus strand). Cytogenetic location: 14q32.13.
Variant type: single nucleotide variant.
Coding change: c.3715A>C on transcript NM_177438.3 (MANE Select); coding-DNA position 3715, A replaced by C.
Protein change: p.Ser1239Arg; replaces serine 1239 with arginine.
Molecular consequence: missense variant.
Genome position (GRCh38, 1-based): chr14:95,103,681, T>G on the plus strand (A>C on the coding strand, the complement: DICER1 is on the minus strand). VCF-style: chr14-95103681-T-G. GRCh37 (hg19) VCF-style: chr14-95570018-T-G.
Other names: c.3715A>C, p.Ser1239Arg (NM_001195573.1, NM_001271282.3, NM_001291628.2 and 1 more transcripts); short protein forms S1239R.
Identifiers: ClinVar variation 642870 (VCV000642870.11), dbSNP rs751765488, ClinGen allele CA390874265.
Genomic context (GRCh38, chr14:95,103,681, plus strand): 5'-CCATCACAGGACTTCCATCTGAGGTAGATTTGTTAGCATTTCCATCAAGGTATTTATTAC[T>G]CAGGAGAGTACATTCATCGCTGGGCTGGGGCTGGTTCTCGTAACTGTATAAATTCTGAAT-3'
Protein context (NP_803187.1, residues 1229-1249): PQPSDECTLL[Ser1239Arg]NKYLDGNANK

ClinVar aggregate classification (germline): Uncertain significance. Review status: criteria provided, multiple submitters, no conflicts (2 of 4 stars). 2 submissions from 2 submitters: Uncertain significance (2). Last evaluated 2025-07-15.

Conditions:
Hereditary cancer-predisposing syndrome. Also called: Neoplastic Syndromes, Hereditary; Hereditary Cancer Syndrome; Hereditary neoplastic syndrome; Tumor predisposition. Identifiers: Orphanet 140162, MedGen C0027672, MeSH D009386, MONDO:0015356.
DICER1-related tumor predisposition. Also called: DICER1 syndrome; DICER1-related pleuropulmonary blastoma cancer predisposition syndrome. Identifiers: Orphanet 284343, MedGen C3839822, MONDO:0100216.

Submissions (2):

Labcorp Genetics (formerly Invitae), Labcorp
Classification: Uncertain significance for DICER1-related tumor predisposition. Last evaluated: 2025-07-15. Review status: criteria provided, single submitter. Criteria: Invitae Variant Classification Sherloc (09022015). Collection method: clinical testing. Allele origin: germline.
Comment: This sequence change replaces serine, which is neutral and polar, with arginine, which is basic and polar, at codon 1239 of the DICER1 protein (p.Ser1239Arg). This variant is not present in population databases (gnomAD no frequency). This variant has not been reported in the literature in individuals affected with DICER1-related conditions. ClinVar contains an entry for this variant (Variation ID: 642870). Invitae Evidence Modeling of protein sequence and biophysical properties (such as structural, functional, and spatial information, amino acid conservation, physicochemical variation, residue mobility, and thermodynamic stability) indicates that this missense variant is not expected to disrupt DICER1 protein function with a negative predictive value of 95%. In summary, the available evidence is currently insufficient to determine the role of this variant in disease. Therefore, it has been classified as a Variant of Uncertain Significance.

Ambry Genetics
Classification: Uncertain significance for Hereditary cancer-predisposing syndrome. Last evaluated: 2023-11-16. Review status: criteria provided, single submitter. Criteria: Ambry Variant Classification Scheme 2023. Collection method: clinical testing. Allele origin: germline.
Comment: The p.S1239R variant (also known as c.3715A>C), located in coding exon 20 of the DICER1 gene, results from an A to C substitution at nucleotide position 3715. The serine at codon 1239 is replaced by arginine, an amino acid with dissimilar properties. This amino acid position is conserved. In addition, the in silico prediction for this alteration is inconclusive. Since supporting evidence is limited at this time, the clinical significance of this alteration remains unclear.